The following is an entry in ClinVar:

ClinVar aggregate classification (germline): Conflicting classifications of pathogenicity. Review status: criteria provided, conflicting classifications (1 of 4 stars). 4 submissions from 4 submitters: Pathogenic (1); Uncertain significance (2). 1 of the submissions does not count toward it. Last evaluated 2025-09-16.

Submissions (4):

Mayo Clinic Laboratories, Mayo Clinic
Classification: Pathogenic. Last evaluated: 2025-09-16. Review status: criteria provided, single submitter. Criteria: ACMG Guidelines, 2015. Collection method: clinical testing. Allele origin: germline. Observed: 1 variant allele.
Comment: PP3, PM2_supporting, PS3, PS4_very_strong

Quest Diagnostics Nichols Institute San Juan Capistrano
Classification: Uncertain significance. Last evaluated: 2023-11-06. Review status: criteria provided, single submitter. Criteria: Quest Diagnostics criteria. Collection method: clinical testing. Allele origin: unknown.
Comment: The VWF c.4912G>A (p.Glu1638Lys) variant has been reported in the published literature in in at least one individual with Von Willebrand Disease Type 2A (PMIDs: 15322948 (2004)) and 16322474 (2006)). Experimental studies have showed that this variant reduces the force required for A2 domain unfolding (PMID: 23110044 (2012)), decreases the domain’s thermostability (PMID: 23322777 (2013)), and therefore making the vWF protein highly susceptible to cleavage by ADAMTS13 (PMIDs: 16322474 (2006) and 29186156 (2017)). This variant has not been reported in large, multi-ethnic general populations (Genome Aggregation Database). Analysis of this variant using bioinformatics tools for the prediction of the effect of amino acid changes on protein structure and function yielded conflicting predictions that this variant is deleterious or benign. Based on the available information, we are unable to determine the clinical significance of this variant.

Women's Health and Genetics/Laboratory Corporation of America, LabCorp
Classification: Uncertain significance. Last evaluated: 2023-04-12. Review status: criteria provided, single submitter. Criteria: LabCorp Variant Classification Summary - May 2015. Collection method: clinical testing. Allele origin: germline.
Comment: Variant summary: VWF c.4912G>A (p.Glu1638Lys) results in a conservative amino acid change located in the von Willebrand factor, type A domain (IPR002035) of the encoded protein sequence. Four of five in-silico tools predict a damaging effect of the variant on protein function. The variant was absent in 251280 control chromosomes (gnomAD). The available data on variant occurrences in the general population are insufficient to allow any conclusion about variant significance. c.4912G>A has been reported in the literature in at-least one individual affected with Von Willebrand Disease (example: (Hassenpflug_2006). Multiple publications provide experimental evidence evaluating an impact on protein function. One study have shown this variant enhanced proteolysis ability compared to the WT protein in the presence and absence of urea (Hassenpflug_2006). Additionally, molecular dynamic simulations have shown this variant reduces the force required for the domain to unfold (Interlandi_2012) and decreases the stability for "thermal denaturation of the protein compared to wild type (Xu_2013). These reports do not provide unequivocal conclusions about the variant association with the disease. No clinical diagnostic laboratories have submitted clinical-significance assessments for this variant to ClinVar after 2014. Based on the evidence outlined above, the variant was classified as uncertain significance.

Academic Unit of Haematology, University of Sheffield
No classification provided. Review status: no classification provided. Collection method: not provided. Allele origin: not provided. Not counted in ClinVar's aggregate classification.

Literature cited by the submitters: PubMed 16322474 (cited by 3 submitters); PubMed 17408416 (cited by Mayo Clinic Laboratories, Mayo Clinic); PubMed 23110044 (cited by 3 submitters); PubMed 26791163 (cited by Mayo Clinic Laboratories, Mayo Clinic); PubMed 9198195 (cited by Mayo Clinic Laboratories, Mayo Clinic); PubMed 23322777 (cited by Quest Diagnostics Nichols Institute San Juan Capistrano and Women's Health and Genetics/Laboratory Corporation of America, LabCorp); PubMed 15322948 (cited by Quest Diagnostics Nichols Institute San Juan Capistrano); PubMed 9490688 (cited by Quest Diagnostics Nichols Institute San Juan Capistrano); PubMed 29186156 (cited by Quest Diagnostics Nichols Institute San Juan Capistrano); PubMed 17087728 (cited by Quest Diagnostics Nichols Institute San Juan Capistrano); PubMed 28076816 (cited by Quest Diagnostics Nichols Institute San Juan Capistrano); PubMed 19470641 (cited by Quest Diagnostics Nichols Institute San Juan Capistrano); PubMed 18986390 (cited by Quest Diagnostics Nichols Institute San Juan Capistrano); PubMed 16221672 (cited by Quest Diagnostics Nichols Institute San Juan Capistrano); PubMed 31778361 (cited by Quest Diagnostics Nichols Institute San Juan Capistrano); PubMed 27443694 (cited by Quest Diagnostics Nichols Institute San Juan Capistrano).

NM_000552.5(VWF):c.4912G>A (p.Glu1638Lys)

Gene: VWF (von Willebrand factor; minus strand). Cytogenetic location: 12p13.31.
Variant type: single nucleotide variant.
Coding change: c.4912G>A on transcript NM_000552.5 (MANE Select); coding-DNA position 4912, G replaced by A.
Protein change: p.Glu1638Lys; replaces glutamic acid 1638 with lysine.
Molecular consequence: missense variant.
Genome position (GRCh38, 1-based): chr12:6,018,506, C>T on the plus strand (G>A on the coding strand, the complement: VWF is on the minus strand). VCF-style: chr12-6018506-C-T. GRCh37 (hg19) VCF-style: chr12-6127672-C-T.
Other names: c.4912G>A (NM_000552.4); short protein forms E1638K.
Identifiers: ClinVar variation 100403 (VCV000100403.4), dbSNP rs61750588, ClinGen allele CA228676.